The following is an entry in ClinVar:

NM_000283.4(PDE6B):c.2401C>T (p.Gln801Ter)

Gene: PDE6B (phosphodiesterase 6B; plus strand). Cytogenetic location: 4p16.3.
Variant type: single nucleotide variant.
Coding change: c.2401C>T on transcript NM_000283.4 (MANE Select); coding-DNA position 2401, C replaced by T.
Protein change: p.Gln801Ter; replaces glutamine 801 with a stop codon.
Molecular consequence: nonsense.
Genome position (GRCh38, 1-based): chr4:667,904, C>T. VCF-style: chr4-667904-C-T. GRCh37 (hg19) VCF-style: chr4-661693-C-T.
Other names: c.2401C>T, p.Gln801Ter (NM_001145291.2); c.1564C>T, p.Gln522Ter (NM_001145292.2, NM_001350154.3, NM_001379246.1 and 1 more transcripts); c.1246C>T, p.Gln416Ter (NM_001350155.3); short protein forms Q801*, Q522*, Q416*.
Identifiers: ClinVar variation 620165 (VCV000620165.10), dbSNP rs559964930, ClinGen allele CA2795049.
Genomic context (GRCh38, chr4:667,904, plus strand): 5'-GACTCCCCTCAGGAGTTCTCTCGTTTCCACGAAGAGATCCTGCCCATGTTCGACCGACTG[C>T]AGAACAATAGGAAAGAGTGGAAGGCGCTGGCTGATGAGTATGAGGCCAAAGTGAAGGCTC-3'

ClinVar aggregate classification (germline): Pathogenic. Review status: criteria provided, multiple submitters, no conflicts (2 of 4 stars). 3 submissions from 3 submitters: Pathogenic (3). Last evaluated 2024-04-13.

Conditions:
PDE6B-related disorder. Also called: PDE6B-related disorders; PDE6B-related disease; PDE6B-related condition.

Allele frequency attached by ClinVar (database versions not stated): gnomAD 0.00001; gnomAD exomes 0.00001 and 0.00002; ExAC 0.00002; 1000 Genomes Project 30x 0.00016; 1000 Genomes Project 0.00020.
gnomAD v4.1: 7 of 1,613,472 alleles (0.00043%); highest among the groups gnomAD compares: South Asian, 0.0077%; no homozygotes.

Submissions (3):

Labcorp Genetics (formerly Invitae), Labcorp
Classification: Pathogenic. Last evaluated: 2024-04-13. Review status: criteria provided, single submitter. Criteria: Invitae Variant Classification Sherloc (09022015). Collection method: clinical testing. Allele origin: germline.
Comment: This sequence change creates a premature translational stop signal (p.Gln801*) in the PDE6B gene. It is expected to result in an absent or disrupted protein product. Loss-of-function variants in PDE6B are known to be pathogenic (PMID: 8394174, 8595886, 22334370). This variant is present in population databases (rs559964930, gnomAD 0.02%). This premature translational stop signal has been observed in individual(s) with retinitis pigmentosa (PMID: 26667666). ClinVar contains an entry for this variant (Variation ID: 620165). Algorithms developed to predict the effect of sequence changes on RNA splicing suggest that this variant may disrupt the consensus splice site. For these reasons, this variant has been classified as Pathogenic.

Blueprint Genetics
Classification: Pathogenic for PDE6B-related disorders. Last evaluated: 2021-07-12. Review status: criteria provided, single submitter. Criteria: ACMG Guidelines, 2015. Collection method: clinical testing. Allele origin: germline. Affected: yes. Observed: 4 variant alleles.

GeneDx
Classification: Pathogenic. Last evaluated: 2018-06-18. Review status: criteria provided, single submitter. Criteria: GeneDx Variant Classification (06012015). Collection method: clinical testing. Allele origin: germline. Affected: yes.
Comment: The Q801X variant in the PDE6B gene has been reported previously in an individual with retinitis pigmentosa who also harbored a missense PDE6B variant, although the phase of these two variants was not confirmed (Ge et al., 2015). The Q801X variant is predicted to cause loss of normal protein function either through protein truncation or nonsense-mediated mRNA decay. The Q801X variant is observed in 5/30782 (0.016%) alleles from individuals of South Asian background in large population cohorts, with no homozygotes identified (Lek et al., 2016). We interpret Q801X as a pathogenic variant.

Literature cited by the submitters: PubMed 8394174 (cited by Labcorp Genetics (formerly Invitae), Labcorp); PubMed 8595886 (cited by Labcorp Genetics (formerly Invitae), Labcorp); PubMed 22334370 (cited by Labcorp Genetics (formerly Invitae), Labcorp); PubMed 26667666 (cited by Labcorp Genetics (formerly Invitae), Labcorp).